The following is an entry in ClinVar:

ClinVar aggregate classification (germline): Uncertain significance (0 of 4 stars; one submission).

Conditions:
Dextrocardia. Identifiers: Orphanet 1666, MedGen C0011813, MONDO:0015661, HP:0001651.

Submission:

Lupski Lab, Baylor-Hopkins CMG, Baylor College of Medicine
Classification: Uncertain significance for Dextrocardia. Last evaluated: 2018-05-28. Review status: no assertion criteria provided. Collection method: research. Allele origin: germline. Affected: yes. Observed: 1 variant allele.
Comment: This gene has not been previously associated with human disease.

NM_004850.5(ROCK2):c.3724C>T (p.Gln1242Ter)

Gene: ROCK2 (Rho associated coiled-coil containing protein kinase 2; minus strand). Cytogenetic location: 2p25.1.
Variant type: single nucleotide variant.
Coding change: c.3724C>T on transcript NM_004850.5 (MANE Select); coding-DNA position 3724, C replaced by T.
Protein change: p.Gln1242Ter; replaces glutamine 1242 with a stop codon.
Molecular consequence: nonsense.
Genome position (GRCh38, 1-based): chr2:11,192,676, G>A on the plus strand (C>T on the coding strand, the complement: ROCK2 is on the minus strand). VCF-style: chr2-11192676-G-A. GRCh37 (hg19) VCF-style: chr2-11332802-G-A.
Other names: c.3466C>T, p.Gln1156Ter (NM_001321643.2); short protein forms Q1242*, Q1156*.
Identifiers: ClinVar variation 545556 (VCV000545556.2), dbSNP rs1558277937, ClinGen allele CA345842901.